The following is an entry in ClinVar:

NM_005618.4(DLL1):c.318C>T (p.Asn106=)

Gene: DLL1 (delta like canonical Notch ligand 1; minus strand). Cytogenetic location: 6q27.
Variant type: single nucleotide variant.
Coding change: c.318C>T on transcript NM_005618.4 (MANE Select); coding-DNA position 318, C replaced by T.
Protein change: p.Asn106=; no amino-acid change (asparagine 106 retained).
Molecular consequence: synonymous variant.
Genome position (GRCh38, 1-based): chr6:170,289,545, G>A on the plus strand (C>T on the coding strand, the complement: DLL1 is on the minus strand). VCF-style: chr6-170289545-G-A. GRCh37 (hg19) VCF-style: chr6-170598633-G-A.
Identifiers: ClinVar variation 4084289 (VCV004084289.9).

ClinVar aggregate classification (germline): Likely benign. Review status: criteria provided, multiple submitters, no conflicts (2 of 4 stars). 2 submissions from 2 submitters: Likely benign (2). Last evaluated 2025-06-01.

Submissions (2):

CeGaT Center for Human Genetics Tuebingen
Classification: Likely benign. Last evaluated: 2025-06-01. Review status: criteria provided, single submitter. Criteria: CeGaT Center For Human Genetics Tuebingen Variant Classification Criteria Version 2. Collection method: clinical testing. Allele origin: germline. Affected: yes. Observed: 1 variant allele.
Comment: DLL1: BP4, BP7

Blueprint Genetics
Classification: Likely benign. Last evaluated: 2024-11-07. Review status: criteria provided, single submitter. Criteria: ACMG Guidelines, 2015. Collection method: clinical testing. Allele origin: germline.